The following is an entry in ClinVar:

NM_001127178.3(PIGG):c.1862C>T (p.Ala621Val)

Gene: PIGG (phosphatidylinositol glycan anchor biosynthesis class G (EMM blood group); plus strand). Cytogenetic location: 4p16.3.
Variant type: single nucleotide variant.
Coding change: c.1862C>T on transcript NM_001127178.3 (MANE Select); coding-DNA position 1862, C replaced by T.
Protein change: p.Ala621Val; replaces alanine 621 with valine.
Molecular consequence: missense variant. On other transcripts: non-coding transcript variant (6).
Genome position (GRCh38, 1-based): chr4:523,706, C>T. VCF-style: chr4-523706-C-T. GRCh37 (hg19) VCF-style: chr4-517495-C-T.
Other names: c.1595C>T, p.Ala532Val (NM_001289051.2, NM_001345986.2); c.1463C>T, p.Ala488Val (NM_001289052.2); c.1571C>T, p.Ala524Val (NM_001345987.2); c.833C>T, p.Ala278Val (NM_001345988.2); c.329C>T, p.Ala110Val (NM_001345990.2, NM_001345991.2); c.764C>T, p.Ala255Val (NM_001345994.2); c.1838C>T, p.Ala613Val (NM_017733.5); c.1862C>T (NM_001127178.1); short protein forms A621V, A110V, A255V, A532V, A613V, A524V, A278V, A488V.
Identifiers: ClinVar variation 476326 (VCV000476326.9), dbSNP rs201186795, ClinGen allele CA2793467.

ClinVar aggregate classification (germline): Uncertain significance. Review status: criteria provided, multiple submitters, no conflicts (2 of 4 stars). 2 submissions from 2 submitters: Uncertain significance (2). Last evaluated 2023-12-22.

Conditions:
Intellectual disability, autosomal recessive 53 (NEDHSCA). Also called: NEURODEVELOPMENTAL DISORDER WITH OR WITHOUT HYPOTONIA, SEIZURES, AND CEREBELLAR ATROPHY; GLYCOSYLPHOSPHATIDYLINOSITOL BIOSYNTHESIS DEFECT 13; Mental retardation, autosomal recessive 53. Identifiers: Orphanet 488635, MedGen C4310794, MONDO:0014832, OMIM 616917.
Inborn genetic diseases. Identifiers: MedGen C0950123, MeSH D030342.

Allele frequency attached by ClinVar (database versions not stated): ESP Exome Variant Server 0.00008; gnomAD 0.00010 and 0.00011; TOPMed 0.00013; gnomAD exomes 0.00020 and 0.00028; ExAC 0.00026.
gnomAD v4.1: 418 of 1,614,044 alleles (0.026%); highest among the groups gnomAD compares: Non-Finnish European, 0.033%; no homozygotes.

Submissions (2):

Labcorp Genetics (formerly Invitae), Labcorp
Classification: Uncertain significance for Intellectual disability, autosomal recessive 53. Last evaluated: 2023-12-22. Review status: criteria provided, single submitter. Criteria: Invitae Variant Classification Sherloc (09022015). Collection method: clinical testing. Allele origin: germline.
Comment: This sequence change replaces alanine, which is neutral and non-polar, with valine, which is neutral and non-polar, at codon 621 of the PIGG protein (p.Ala621Val). This variant is present in population databases (rs201186795, gnomAD 0.04%). This variant has not been reported in the literature in individuals affected with PIGG-related conditions. ClinVar contains an entry for this variant (Variation ID: 476326). Advanced modeling of protein sequence and biophysical properties (such as structural, functional, and spatial information, amino acid conservation, physicochemical variation, residue mobility, and thermodynamic stability) performed at Invitae indicates that this missense variant is not expected to disrupt PIGG protein function with a negative predictive value of 80%. In summary, the available evidence is currently insufficient to determine the role of this variant in disease. Therefore, it has been classified as a Variant of Uncertain Significance.

Ambry Genetics
Classification: Uncertain significance for Inborn genetic diseases. Last evaluated: 2022-01-19. Review status: criteria provided, single submitter. Criteria: Ambry Variant Classification Scheme 2023. Collection method: clinical testing. Allele origin: germline.